The following is an entry in ClinVar:

ClinVar aggregate classification (germline): Uncertain significance. Review status: criteria provided, multiple submitters, no conflicts (2 of 4 stars). 3 submissions from 3 submitters: Uncertain significance (3). Last evaluated 2026-01-08.

Conditions:
Multiple congenital exostosis (EXT). Also called: Multiple exostoses; Hereditary multiple exostoses; Hereditary multiple exostosis; Hereditary multiple osteochondromas; MULTIPLE CARTILAGINOUS EXOSTOSES; Multiple osteochondromas. Identifiers: Orphanet 321, MedGen C0015306, MONDO:0005508, HP:0002762.
Inborn genetic diseases. Identifiers: MedGen C0950123, MeSH D030342.
Chondrosarcoma. Also called: Chondrosarcoma, somatic. Identifiers: Orphanet 55880, MedGen C0008479, MONDO:0008977, OMIM 215300, HP:0006765.

Allele frequency attached by ClinVar (database versions not stated): ExAC 0.00001; gnomAD exomes 0.00002 and 0.00004.
gnomAD v4.1: 65 of 1,613,372 alleles (0.004%); highest among the groups gnomAD compares: Admixed American, 0.0067%; no homozygotes.

Submissions (3):

Labcorp Genetics (formerly Invitae), Labcorp
Classification: Uncertain significance for Multiple congenital exostosis. Last evaluated: 2026-01-08. Review status: criteria provided, single submitter. Criteria: Invitae Variant Classification Sherloc (09022015). Collection method: clinical testing. Allele origin: germline.
Comment: This sequence change replaces isoleucine, which is neutral and non-polar, with phenylalanine, which is neutral and non-polar, at codon 484 of the EXT1 protein (p.Ile484Phe). This variant is present in population databases (rs763107867, gnomAD 0.009%). This missense change has been observed in individual(s) with hereditary multiple osteochondromatosis (internal data). ClinVar contains an entry for this variant (Variation ID: 938857). Invitae Evidence Modeling of protein sequence and biophysical properties (such as structural, functional, and spatial information, amino acid conservation, physicochemical variation, residue mobility, and thermodynamic stability) indicates that this missense variant is expected to disrupt EXT1 protein function with a positive predictive value of 80%. In summary, the available evidence is currently insufficient to determine the role of this variant in disease. Therefore, it has been classified as a Variant of Uncertain Significance.

Ambry Genetics
Classification: Uncertain significance for Inborn genetic diseases. Last evaluated: 2025-10-07. Review status: criteria provided, single submitter. Criteria: Ambry Variant Classification Scheme 2023. Collection method: clinical testing. Allele origin: germline.

Baylor Genetics
Classification: Uncertain significance for Chondrosarcoma. Last evaluated: 2024-02-06. Review status: criteria provided, single submitter. Criteria: ACMG Guidelines, 2015. Collection method: clinical testing. Allele origin: unknown.

NM_000127.3(EXT1):c.1450A>T (p.Ile484Phe)

Gene: EXT1 (exostosin glycosyltransferase 1; minus strand). Cytogenetic location: 8q24.11.
Variant type: single nucleotide variant.
Coding change: c.1450A>T on transcript NM_000127.3 (MANE Select); coding-DNA position 1450, A replaced by T.
Protein change: p.Ile484Phe; replaces isoleucine 484 with phenylalanine.
Molecular consequence: missense variant.
Genome position (GRCh38, 1-based): chr8:117,819,762, T>A on the plus strand (A>T on the coding strand, the complement: EXT1 is on the minus strand). VCF-style: chr8-117819762-T-A. GRCh37 (hg19) VCF-style: chr8-118832001-T-A.
Other names: short protein forms I484F.
Identifiers: ClinVar variation 938857 (VCV000938857.8), dbSNP rs763107867, ClinGen allele CA4854136.